The following is an entry in ClinVar:

ClinVar aggregate classification (germline): Benign. Review status: criteria provided, multiple submitters, no conflicts (2 of 4 stars). 3 submissions from 3 submitters: Benign (3). Last evaluated 2026-09-01.

Allele frequency attached by ClinVar (database versions not stated): gnomAD 0.00342 and 0.00373; TOPMed 0.00392; ESP Exome Variant Server 0.00400; 1000 Genomes Project 30x 0.00437; 1000 Genomes Project 0.00439; ExAC 0.00517.

Submissions (8):

CeGaT Center for Human Genetics Tuebingen
Classification: Benign. Last evaluated: 2026-09-01. Review status: criteria provided, single submitter. Criteria: CeGaT Center For Human Genetics Tuebingen Variant Classification Criteria Version 2. Collection method: clinical testing. Allele origin: germline. Affected: yes. Observed: 5 variant alleles.
Comment: FHOD3: BP4, BP7, BS1, BS2

Molecular Diagnostic Laboratory for Inherited Cardiovascular Disease, Montreal Heart Institute
Classification: Benign. Last evaluated: 2025-04-09. Review status: criteria provided, single submitter. Criteria: ACMG Guidelines, 2015. Collection method: clinical testing. Allele origin: germline. Affected: no.

Labcorp Genetics (formerly Invitae), Labcorp
Classification: Benign. Last evaluated: 2019-12-31. Review status: criteria provided, single submitter. Criteria: Invitae Variant Classification Sherloc (09022015). Collection method: clinical testing. Allele origin: germline.

Dr. Peter K. Rogan Lab, Western University
No classification provided (evidence only). Condition: Clear cell carcinoma of kidney. Review status: no classification provided. Collection method: in vitro. Allele origin: not applicable. Functional consequence: retained intron. Not counted in ClinVar's aggregate classification.

Dr. Peter K. Rogan Lab, Western University
No classification provided (evidence only). Condition: Clear cell carcinoma of kidney. Review status: no classification provided. Collection method: in vitro. Allele origin: not applicable. Functional consequence: retained intron. Not counted in ClinVar's aggregate classification.

Dr. Peter K. Rogan Lab, Western University
No classification provided (evidence only). Condition: Colon adenocarcinoma. Review status: no classification provided. Collection method: in vitro. Allele origin: not applicable. Functional consequence: retained intron. Not counted in ClinVar's aggregate classification.

Dr. Peter K. Rogan Lab, Western University
No classification provided (evidence only). Condition: Cervical cancer. Review status: no classification provided. Collection method: in vitro. Allele origin: not applicable. Functional consequence: retained intron. Not counted in ClinVar's aggregate classification.

Dr. Peter K. Rogan Lab, Western University
No classification provided (evidence only). Condition: Gastric cancer. Review status: no classification provided. Collection method: in vitro. Allele origin: not applicable. Functional consequence: retained intron. Not counted in ClinVar's aggregate classification.

NM_001281740.3(FHOD3):c.1005C>A (p.Pro335=)

Gene: FHOD3 (formin homology 2 domain containing 3; plus strand). Cytogenetic location: 18q12.2.
Variant type: single nucleotide variant.
Coding change: c.1005C>A on transcript NM_001281740.3 (MANE Select); coding-DNA position 1005, C replaced by A.
Protein change: p.Pro335=; no amino-acid change (proline 335 retained).
Molecular consequence: synonymous variant.
Genome position (GRCh38, 1-based): chr18:36,625,558, C>A. VCF-style: chr18-36625558-C-A. GRCh37 (hg19) VCF-style: chr18-34205521-C-A.
Other names: NC_000018.9:g.34205521C>A; c.1005C>A, p.Pro335= (NM_001281739.3, NM_025135.5).
Identifiers: ClinVar variation 791433 (VCV000791433.34), dbSNP rs149677982, ClinGen allele CA8941511.